The following is an entry in ClinVar:

NM_001174150.2(ARL13B):c.599G>A (p.Arg200His)

Gene: ARL13B (ARF like GTPase 13B; plus strand). Cytogenetic location: 3q11.2.
Variant type: single nucleotide variant.
Coding change: c.599G>A on transcript NM_001174150.2 (MANE Select); coding-DNA position 599, G replaced by A.
Protein change: p.Arg200His; replaces arginine 200 with histidine.
Molecular consequence: missense variant. On other transcripts: non-coding transcript variant (2).
Genome position (GRCh38, 1-based): chr3:94,036,664, G>A. VCF-style: chr3-94036664-G-A. GRCh37 (hg19) VCF-style: chr3-93755508-G-A.
Other names: c.290G>A, p.Arg97His (NM_001174151.2); c.554G>A, p.Arg185His (NM_001321328.2); c.278G>A, p.Arg93His (NM_144996.4); c.599G>A, p.Arg200His (NM_182896.3); c.599G>A (NM_182896.2); short protein forms R200H, R93H, R185H, R97H.
Identifiers: ClinVar variation 266096 (VCV000266096.52), dbSNP rs764109067, ClinGen allele CA2504099.

ClinVar aggregate classification (germline): Conflicting classifications of pathogenicity. Review status: criteria provided, conflicting classifications (1 of 4 stars). 8 submissions from 8 submitters: Pathogenic (2); Likely pathogenic (3); Uncertain significance (1). 2 of the submissions do not count toward it. Last evaluated 2026-05-29.

Conditions:
Joubert syndrome and related disorders. Identifiers: Orphanet 140874, MedGen C5679612, MONDO:0015369.
Joubert syndrome 8 (JBTS8). Identifiers: Orphanet 475, MedGen C2676771, MONDO:0012855, OMIM 612291.

Allele frequency attached by ClinVar (database versions not stated): ExAC 0.00001; TOPMed 0.00001.
gnomAD v4.1: 10 of 1,613,978 alleles (0.00062%); highest among the groups gnomAD compares: South Asian, 0.0022%; no homozygotes.

Submissions (8):

GeneDx
Classification: Likely pathogenic. Last evaluated: 2026-05-29. Review status: criteria provided, single submitter. Criteria: GeneDx Variant Classification Process June 2021. Collection method: clinical testing. Allele origin: germline.
Comment: Not observed at significant frequency in large population cohorts (gnomAD); In silico analysis supports that this missense variant has a deleterious effect on protein structure/function; This variant is associated with the following publications: (PMID: 27894351, 34645488, 27457812, 34316023, 37644014, 40730687, 36550190)

3billion
Classification: Pathogenic for Joubert syndrome 8. Last evaluated: 2024-07-17. Review status: criteria provided, single submitter. Criteria: ACMG Guidelines, 2015. Collection method: clinical testing. Allele origin: germline. Affected: yes.
Comment: The variant is observed at an extremely low frequency in the gnomAD v4.0.0 dataset (total allele frequency: <0.001%). Predicted Consequence/Location: The majority of the known disease-causing variants of this gene are variants expected to result in premature termination of the protein. In silico tool predictions suggest damaging effect of the variant on gene or gene product [REVEL: 0.69 (>=0.6, sensitivity 0.68 and specificity 0.92); 3Cnet: 0.62 (>=0.6, sensitivity 0.72 and precision 0.9)]. The same nucleotide change resulting in the same amino acid change has been previously reported as pathogenic/likely pathogenic with strong evidence (ClinVar ID: VCV000266096 /PMID: 27894351). A different missense change at the same codon (p.Arg200Cys) has been reported as pathogenic/likely pathogenic with strong evidence (ClinVar ID: VCV000001993 /PMID: 18674751). Therefore, this variant is classified as Pathogenic according to the recommendation of ACMG/AMP guideline.

Fulgent Genetics
Classification: Likely pathogenic for Joubert syndrome 8. Last evaluated: 2023-12-28. Review status: criteria provided, single submitter. Criteria: ACMG Guidelines, 2015. Collection method: clinical testing. Allele origin: germline.

Labcorp Genetics (formerly Invitae), Labcorp
Classification: Pathogenic for Joubert syndrome 8. Last evaluated: 2022-10-31. Review status: criteria provided, single submitter. Criteria: Invitae Variant Classification Sherloc (09022015). Collection method: clinical testing. Allele origin: germline.
Comment: This variant disrupts the p.Arg200 amino acid residue in ARL13B. Other variant(s) that disrupt this residue have been determined to be pathogenic (PMID: 18674751). This suggests that this residue is clinically significant, and that variants that disrupt this residue are likely to be disease-causing. This sequence change replaces arginine, which is basic and polar, with histidine, which is basic and polar, at codon 200 of the ARL13B protein (p.Arg200His). This variant is not present in population databases (gnomAD no frequency). This missense change has been observed in individual(s) with Joubert syndrome and related disorders (Invitae). ClinVar contains an entry for this variant (Variation ID: 266096). Advanced modeling of protein sequence and biophysical properties (such as structural, functional, and spatial information, amino acid conservation, physicochemical variation, residue mobility, and thermodynamic stability) performed at Invitae indicates that this missense variant is expected to disrupt ARL13B protein function. For these reasons, this variant has been classified as Pathogenic.

Blueprint Genetics
Classification: Uncertain significance. Last evaluated: 2022-10-21. Review status: criteria provided, single submitter. Criteria: ACMG Guidelines, 2015. Collection method: clinical testing. Allele origin: germline.

CeGaT Center for Human Genetics Tuebingen
Classification: Likely pathogenic. Last evaluated: 2019-09-01. Review status: criteria provided, single submitter. Criteria: CeGaT Center For Human Genetics Tuebingen Variant Classification Criteria Version 2. Collection method: clinical testing. Allele origin: germline. Affected: yes. Observed: 1 variant allele.

Leeds Institute of Medical Research, University of Leeds
Classification: Likely pathogenic for Joubert syndrome 8. Last evaluated: 2025-01-13. Review status: no assertion criteria provided. Collection method: research. Allele origin: germline. Affected: yes. Observed: 2 variant alleles. Not counted in ClinVar's aggregate classification.
Comment: This homozygous NM_001174150.2:c.599G>A variant in ARL13B results in the missense variant p.(Arg200His). The variant is rare in gnomAD v4.0 (S.Asian maf of 0.00002196) and has a CADD v1.7 score of 33. It has previously been published as a cause of disease (PMID:29255182). The variant meets ACMG criteria PM2, PP3, PM5 and PP5 and is classified as Likely Pathogenic.

Genomic Medicine Center of Excellence, King Faisal Specialist Hospital and Research Centre
Classification: Likely pathogenic for Joubert syndrome. Review status: no assertion criteria provided. Collection method: research. Allele origin: germline. Affected: yes. Observed: 1 homozygote. Not counted in ClinVar's aggregate classification.

Literature cited by the submitters: PubMed 27894351 (cited by 3billion); PubMed 18674751 (cited by 3billion and Labcorp Genetics (formerly Invitae), Labcorp).